The following is an entry in ClinVar:

NM_000038.6(APC):c.-19+5496T>A

Gene: APC (APC regulator of WNT signaling pathway; plus strand). Cytogenetic location: 5q22.2.
Variant type: single nucleotide variant.
Coding change: c.-19+5496T>A on transcript NM_000038.6 (MANE Select); 5496 bases into the intron after 19 bases upstream of the start codon, T replaced by A.
Molecular consequence: intron variant.
Genome position (GRCh38, 1-based): chr5:112,743,421, T>A. VCF-style: chr5-112743421-T-A. GRCh37 (hg19) VCF-style: chr5-112079118-T-A.
Other names: c.-18-11452T>A (NM_001354895.2); c.166-22905T>A (NM_001354897.2, NM_001354902.2, NM_001127511.3); c.-19+4961T>A (NM_001127510.3); c.60+4961T>A (NM_001354898.2, NM_001354904.2); c.-1054+5496T>A (NM_001354906.2); c.-19+5496T>A (NM_001354896.2, NM_001354903.2, NM_001354899.2); c.-43+5496T>A (NM_001354900.2, NM_001354901.2, NM_001354905.2).
Identifiers: ClinVar variation 82345 (VCV000082345.2), dbSNP rs75951266, ClinGen allele CA006552.
Genomic context (GRCh38, chr5:112,743,421, plus strand): 5'-GGGACTAGGATTTGGCCATCTTTGTGGGGCCATACACAGGCATACTCATCTGGTTCTCCA[T>A]TTTTTTTAAGCTGAAGGATTTTTTTAGTTATTTTTACTTTTGCGAATGTGTGTTACTTTC-3'

ClinVar aggregate classification (germline): other (0 of 4 stars; one submission).

Conditions:
Familial colorectal cancer. Identifiers: MedGen CN280943, MONDO:0023113. Disease mechanism: loss of function.

Submission:

Systems Biology Platform Zhejiang California International NanoSystems Institute
Classification: other for Familial colorectal cancer. Review status: no assertion criteria provided. Collection method: not provided. Allele origin: unknown.
ClinVar note: Converted during submission from cancer to other.